The following is an entry in ClinVar:

ClinVar aggregate classification (germline): Likely benign (1 of 4 stars; one submission).

Allele frequency attached by ClinVar (database versions not stated): gnomAD exomes 0.00006 and 0.00004; ExAC 0.00012; TOPMed 0.00003; gnomAD 0.00004.
gnomAD v4.1: 80 of 1,431,890 alleles (0.0056%); highest among the groups gnomAD compares: Non-Finnish European, 0.007%; no homozygotes.

Submission:

GeneDx
Classification: Likely benign. Last evaluated: 2016-03-11. Review status: criteria provided, single submitter. Criteria: GeneDx Variant Classification (06012015). Collection method: clinical testing. Allele origin: germline. Affected: yes.
Comment: This variant is considered likely benign or benign based on one or more of the following criteria: it is a conservative change, it occurs at a poorly conserved position in the protein, it is predicted to be benign by multiple in silico algorithms, and/or has population frequency not consistent with disease.

NM_004408.4(DNM1):c.-35C>T

Genes: CIZ1 (CDKN1A interacting zinc finger protein 1; minus strand), DNM1 (dynamin 1; plus strand), LOC130002696 (ATAC-STARR-seq lymphoblastoid silent region 20331; plus strand). Cytogenetic location: 9q34.11.
Variant type: single nucleotide variant.
Coding change: c.-35C>T on transcript NM_004408.4 (MANE Select); 35 bases upstream of the start codon, C replaced by T.
Molecular consequence: 5 prime UTR variant. On other transcripts: intron variant (2).
Genome position (GRCh38, 1-based): chr9:128,203,436, C>T. VCF-style: chr9-128203436-C-T. GRCh37 (hg19) VCF-style: chr9-130965715-C-T.
Other names: c.-35C>T (NM_001005336.3, NM_001288737.2, NM_001288738.2 and 2 more transcripts); c.-6+750G>A (NM_001131015.2, NM_012127.3).
Identifiers: ClinVar variation 384396 (VCV000384396.3), dbSNP rs778217684, ClinGen allele CA5257709.
Genomic context (GRCh38, chr9:128,203,436, plus strand): 5'-GGCAGTCTGGGCGCGCGGCTGCAGCGGCGGAGCCGGAGTCGGAGCCGGGAGCGCTAGCGG[C>T]AGCCGGATCGCAGCCTGCGGGGCCCGCCGCAGCCATGGGCAACCGCGGCATGGAAGATCT-3'